The following is an entry in ClinVar:

ClinVar aggregate classification (germline): Uncertain significance. Review status: criteria provided, multiple submitters, no conflicts (2 of 4 stars). 2 submissions from 2 submitters: Uncertain significance (2). Last evaluated 2023-09-20.

Conditions:
Acrofacial dysostosis Cincinnati type. Identifiers: Orphanet 1200, MedGen C4225317, MONDO:0014651, OMIM 616462.
Inborn genetic diseases. Identifiers: MedGen C0950123, MeSH D030342.

gnomAD v4.1: 6 of 1,614,030 alleles (0.00037%); highest among the groups gnomAD compares: South Asian, 0.0055%; no homozygotes.

Submissions (2):

Ambry Genetics
Classification: Uncertain significance for Inborn genetic diseases. Last evaluated: 2023-09-20. Review status: criteria provided, single submitter. Criteria: Ambry Variant Classification Scheme 2023. Collection method: clinical testing. Allele origin: germline.

Neuberg Centre For Genomic Medicine, NCGM
Classification: Uncertain significance for Acrofacial dysostosis Cincinnati type. Review status: criteria provided, single submitter. Criteria: ACMG Guidelines, 2015. Collection method: clinical testing. Allele origin: germline. Inheritance: Autosomal dominant inheritance. Affected: yes.
Comment: The observed missense c.1337A>G (p.Asn446Ser) variant in GPC3 gene has not been reported previously as a pathogenic variant nor as a benign variant, to our knowledge. The p.Asn446Ser variant is absent in gnomAD Exomes. This variant has not been submitted to the ClinVar database. The amino acid change p.Asn446Ser in GPC3 is predicted as conserved by GERP++ and PhyloP across 100 vertebrates. The amino acid Asn at position 446 is changed to a Ser changing protein sequence and it might alter its composition and physico-chemical properties. For these reasons, this variant has been classified as a Variant of Uncertain Significance (VUS).

NM_015425.6(POLR1A):c.2002G>C (p.Val668Leu)

Gene: POLR1A (RNA polymerase I subunit A; minus strand). Cytogenetic location: 2p11.2.
Variant type: single nucleotide variant.
Coding change: c.2002G>C on transcript NM_015425.6 (MANE Select); coding-DNA position 2002, G replaced by C.
Protein change: p.Val668Leu; replaces valine 668 with leucine.
Molecular consequence: missense variant.
Genome position (GRCh38, 1-based): chr2:86,065,330, C>G on the plus strand (G>C on the coding strand, the complement: POLR1A is on the minus strand). VCF-style: chr2-86065330-C-G. GRCh37 (hg19) VCF-style: chr2-86292453-C-G.
Other names: short protein forms V668L.
Identifiers: ClinVar variation 3216426 (VCV003216426.2), dbSNP rs200363968, ClinGen allele CA347545788.